The following is an entry in ClinVar:

ClinVar aggregate classification (germline): Pathogenic (1 of 4 stars; one submission).

Submission:

GeneDx
Classification: Pathogenic. Last evaluated: 2013-01-17. Review status: criteria provided, single submitter. Criteria: GeneDx Variant Classification (06012015). Collection method: clinical testing. Allele origin: germline. Affected: yes.
Comment: c.2693-2 A>T: IVS11-2 A>T in intron 11 of the KCNH2 (aka HERG) gene (NM_000238.2)Although the c.2693-2 A>T mutation has not been reported as a disease-causing mutation or as a benign polymorphism to our knowledge, this mutation destroys the canonical splice acceptor site in intron 11 and is predicted to cause abnormal gene splicing. The mutation is predicted to lead to either an abnormal message that is subject to nonsense-mediated mRNA decay, or to an abnormal protein product if the message is used for protein translation. Other splice site mutations in the KCNH2 gene have been reported in association with LQTS. In summary, c.2693-2 A>T in the KCNH2 gene is interpreted as a disease-causing mutation. The variant is found in LQT panel(s).

NM_000238.4(KCNH2):c.2693-2A>T

Gene: KCNH2 (potassium voltage-gated channel subfamily H member 2; minus strand). Cytogenetic location: 7q36.1.
Variant type: single nucleotide variant.
Coding change: c.2693-2A>T on transcript NM_000238.4 (MANE Select); the canonical splice acceptor site of the intron before coding-DNA position 2693, A replaced by T.
Molecular consequence: splice acceptor variant.
Genome position (GRCh38, 1-based): chr7:150,947,880, T>A on the plus strand (A>T on the coding strand, the complement: KCNH2 is on the minus strand). VCF-style: chr7-150947880-T-A. GRCh37 (hg19) VCF-style: chr7-150644968-T-A.
Other names: c.2405-2A>T (NM_001406753.1); c.1673-2A>T (NM_172057.3).
Identifiers: ClinVar variation 200462 (VCV000200462.4), dbSNP rs794728394, ClinGen allele CA007177.